The following is an entry in ClinVar:

ClinVar aggregate classification (germline): Pathogenic. Review status: criteria provided, multiple submitters, no conflicts (2 of 4 stars). 19 submissions from 19 submitters: Pathogenic (14). 5 of the submissions do not count toward it. Last evaluated 2026-01-12.

Conditions:
CDH23-related disorder. Also called: CDH23-related condition; CDH23-related disorders.
Rare genetic deafness. Identifiers: Orphanet 96210, MedGen C5680250.
Pituitary adenoma 5, multiple types. Identifiers: MedGen C4539685, MONDO:0054601, OMIM 617540.
Usher syndrome type 1D (USH1D). Also called: USHER SYNDROME, TYPE ID. Identifiers: Orphanet 231169, Orphanet 886, MedGen C1832845, MONDO:0010984, OMIM 601067.
Autosomal recessive nonsyndromic hearing loss 12. Also called: DEAFNESS, AUTOSOMAL RECESSIVE 12. Identifiers: Orphanet 90636, MedGen C1832394, MONDO:0011067, OMIM 601386.
Retinal dystrophy. Also called: Inherited retinal dystrophy. Identifiers: Orphanet 71862, MedGen C0854723, MeSH D058499, MONDO:0019118, HP:0000556.
Usher syndrome type 1 (USH1). Also called: RETINITIS PIGMENTOSA AND CONGENITAL DEAFNESS. Identifiers: Orphanet 231169, Orphanet 886, MedGen C1568247, MONDO:0010168, OMIM 276900.
Hearing loss, autosomal recessive. Also called: Deafness, autosomal recessive; Rare autosomal recessive non-syndromic sensorineural deafness type DFNB; Autosomal recessive nonsyndromic deafness; Nonsyndromic Hearing Loss, Recessive. Identifiers: Orphanet 90635, Orphanet 90636, MedGen C1846647, MONDO:0019588, OMIM 607197.

Allele frequency attached by ClinVar (database versions not stated): TOPMed 0.00005; gnomAD 0.00006; ESP Exome Variant Server 0.00008; ExAC 0.00010.
gnomAD v4.1: 72 of 1,597,464 alleles (0.0045%); highest among the groups gnomAD compares: South Asian, 0.014%; no homozygotes.

Submissions 1 to 13 of 19:

Labcorp Genetics (formerly Invitae), Labcorp
Classification: Pathogenic. Last evaluated: 2026-01-12. Review status: criteria provided, single submitter. Criteria: Invitae Variant Classification Sherloc (09022015). Collection method: clinical testing. Allele origin: germline.
Comment: This sequence change falls in intron 46 of the CDH23 gene. It does not directly change the encoded amino acid sequence of the CDH23 protein. RNA analysis indicates that this variant induces altered splicing and may result in an absent or altered protein product. This variant is present in population databases (rs367928692, gnomAD 0.01%). This variant has been observed in individuals with Usher syndrome (PMID: 11857743, 12075507, 17407589, 18429043, 21569298, 21940737, 25404053). It has also been observed to segregate with disease in related individuals. This variant is also known as IVS45-9G>A. ClinVar contains an entry for this variant (Variation ID: 46001). Studies have shown that this variant results in insertion of 7 nucleotides from intron 46, and produces a non-functional protein and/or introduces a premature termination codon (PMID: 11857743, 20513143). For these reasons, this variant has been classified as Pathogenic.

Natera, Inc.
Classification: Pathogenic for Usher syndrome type 1. Last evaluated: 2025-12-16. Review status: criteria provided, single submitter. Criteria: Natera Variant Classification Schema (03/2026). Collection method: clinical testing. Allele origin: germline.
Comment: The c.6050-9G>A variant in CDH23 is an intronic variant located outside the canonical splice sites. This variant is rare in the general population with a frequency below the threshold expected for the associated phenotype(s). This variant has been observed in one or more individuals affected with the associated recessive disease, as either homozygous or compound heterozygous with a second variant (PMID: 21940737). Computational prediction algorithms indicate this variant is likely to affect gene or protein function. Given the available evidence, this variant is classified as Pathogenic.

3billion
Classification: Pathogenic for Usher syndrome type 1D. Last evaluated: 2025-12-03. Review status: criteria provided, single submitter. Criteria: ACMG Guidelines, 2015. Collection method: clinical testing. Allele origin: germline. Affected: yes.
Comment: The variant is observed at an extremely low frequency in the gnomAD v4.1.0 dataset (total allele frequency: 0.005%). Predicted Consequence/Location: Intron variant Functional studies provide strong evidence of the variant having a damaging effect on the gene or gene product (PMID: 20513143). In silico tools predict the variant to alter splicing and produce an abnormal transcript [SpliceAI: 0.99 (>=0.2, moderate evidence for spliceogenicity)]. The variant has been reported to be in trans with a pathogenic variant as either compound heterozygous or homozygous in at least one similarly affected unrelated individual (PMID: 11857743, 12075507). The variant has been reported to co-segregate with the disease in at least one similarly affected relative/individual in the same family or similarly affected unrelated families (PMID: 11857743). The variant has been reported at least twice as pathogenic with clinical assertions and evidence for the classification (ClinVar ID: VCV000046001 /PMID: 11857743 /3billion dataset). Therefore, this variant is classified as Pathogenic according to the recommendation of ACMG/AMP guideline.

Variantyx, Inc.
Classification: Pathogenic for Autosomal recessive nonsyndromic hearing loss 12. Last evaluated: 2025-06-26. Review status: criteria provided, single submitter. Criteria: Variantyx Assertion Criteria 2022. Collection method: clinical testing. Allele origin: germline. Inheritance: Autosomal recessive inheritance.
Comment: This is an intronic variant in the CDH23 gene (OMIM: 605516). Pathogenic variants in this gene have been associated with autosomal recessive hearing loss 12. This splicing variant is expected to result in loss of function, which is a known disease mechanism for CDH23 in this disorder (PMID: 11857743, 20513143) (PVS1). It has been identified in the homozygous or compound heterozygous state in at least 15 individuals reported in the published literature (PMID: 11857743, 20513143, 12075507, 17407589, 21569298, 25404053) (PM3_Strong). Algorithms that predict the potential impact of sequence variants on RNA splicing suggest that this variant has conflicting evidence regarding the effect on splicing. This variant has a 0.0135% maximum allele frequency in non-founder control populations. Based on the current evidence, this variant is classified as pathogenic for autosomal recessive hearing loss 12.

CeGaT Center for Human Genetics Tuebingen
Classification: Pathogenic. Last evaluated: 2025-06-01. Review status: criteria provided, single submitter. Criteria: CeGaT Center For Human Genetics Tuebingen Variant Classification Criteria Version 2. Collection method: clinical testing. Allele origin: germline. Affected: yes. Observed: 1 variant allele.
Comment: CDH23: PM3:Very Strong, PVS1, PM2

First Genomix Gene Laboratory, Genetic Diagnostics Department
Classification: Pathogenic for Autosomal recessive nonsyndromic hearing loss 12; Usher syndrome type 1D. Last evaluated: 2025-05-23. Review status: criteria provided, single submitter. Criteria: ACMG Guidelines, 2015. Collection method: clinical testing. Allele origin: germline. Inheritance: Autosomal recessive inheritance. Affected: no. Observed: 1 variant allele.

Blueprint Genetics
Classification: Pathogenic for CDH23-related disorders. Last evaluated: 2024-11-27. Review status: criteria provided, single submitter. Criteria: ACMG Guidelines, 2015. Collection method: clinical testing. Allele origin: germline. Affected: yes. Observed: 5 variant alleles.

Baylor Genetics
Classification: Pathogenic for Pituitary adenoma 5, multiple types. Last evaluated: 2024-03-19. Review status: criteria provided, single submitter. Criteria: ACMG Guidelines, 2015. Collection method: clinical testing. Allele origin: unknown.

GeneDx
Classification: Pathogenic. Last evaluated: 2023-06-15. Review status: criteria provided, single submitter. Criteria: GeneDx Variant Classification Process June 2021. Collection method: clinical testing. Allele origin: germline. Affected: yes.
Comment: Published in vivo and in vitro studies demonstrate abnormal gene splicing with an insertion of a 7bp intronic sequence, leading to absence of expression (Vache et al., 2010; Valero et al., 2019); In silico analysis supports a deleterious effect on splicing; This variant is associated with the following publications: (PMID: 25404053, 11857743, 31546658, 32467589, 24498627, 20513143, 21940737, 30303587, 31980526, 35020051)

Institute of Human Genetics, Univ. Regensburg, Univ. Regensburg
Classification: Pathogenic for Retinal dystrophy. Last evaluated: 2022-01-01. Review status: criteria provided, single submitter. Criteria: ACMG Guidelines, 2015. Collection method: clinical testing. Allele origin: germline. Affected: yes.

Institute of Medical Genetics and Applied Genomics, University Hospital Tübingen
Classification: Pathogenic. Last evaluated: 2020-10-23. Review status: criteria provided, single submitter. Criteria: ACMG Guidelines, 2015. Collection method: clinical testing. Allele origin: germline. Inheritance: Autosomal recessive inheritance. Affected: yes.

Fulgent Genetics
Classification: Pathogenic for Usher syndrome type 1D; Autosomal recessive nonsyndromic hearing loss 12; Pituitary adenoma 5, multiple types. Last evaluated: 2018-10-31. Review status: criteria provided, single submitter. Criteria: ACMG Guidelines, 2015. Collection method: clinical testing. Allele origin: unknown.

Genomic Diagnostic Laboratory, Division of Genomic Diagnostics, Children's Hospital of Philadelphia
Classification: Pathogenic. Last evaluated: 2015-08-10. Review status: criteria provided, single submitter. Criteria: DGD Variant Analysis Guidelines. Collection method: clinical testing. Allele origin: unknown.

NM_022124.6(CDH23):c.6050-9G>A

Gene: CDH23 (cadherin related 23; plus strand). Cytogenetic location: 10q22.1.
Variant type: single nucleotide variant.
Coding change: c.6050-9G>A on transcript NM_022124.6 (MANE Select); 9 bases into the intron before coding-DNA position 6050, G replaced by A.
Molecular consequence: intron variant.
Genome position (GRCh38, 1-based): chr10:71,791,123, G>A. VCF-style: chr10-71791123-G-A. GRCh37 (hg19) VCF-style: chr10-73550880-G-A.
Identifiers: ClinVar variation 46001 (VCV000046001.38), dbSNP rs367928692, ClinGen allele CA261794.